The following is an entry in ClinVar:

ClinVar aggregate classification (germline): Uncertain significance (1 of 4 stars; one submission).

Conditions:
Autosomal dominant nonsyndromic hearing loss 17. Also called: Deafness, autosomal dominant 17; Autosomal dominant nonsyndromic deafness 17. Identifiers: Orphanet 90635, MedGen C1863659, MONDO:0011350, OMIM 603622.

Submission:

MVZ Medizinische Genetik Mainz
Classification: Uncertain significance for Autosomal dominant nonsyndromic hearing loss 17. Last evaluated: 2026-06-17. Review status: criteria provided, single submitter. Criteria: UK Practice Guidelines For Variant Classification V4 01 2020. Collection method: clinical testing. Allele origin: germline. Inheritance: Autosomal dominant inheritance. Affected: yes. Observed: 1 variant allele.
Comment: ACMG Criteria: PP3_MOD,PM2_SUP

NM_002473.6(MYH9):c.2992G>A (p.Glu998Lys)

Gene: MYH9 (myosin heavy chain 9; minus strand). Cytogenetic location: 22q12.3.
Variant type: single nucleotide variant.
Coding change: c.2992G>A on transcript NM_002473.6 (MANE Select); coding-DNA position 2992, G replaced by A.
Protein change: p.Glu998Lys; replaces glutamic acid 998 with lysine.
Molecular consequence: missense variant.
Genome position (GRCh38, 1-based): chr22:36,299,027, C>T on the plus strand (G>A on the coding strand, the complement: MYH9 is on the minus strand). VCF-style: chr22-36299027-C-T. GRCh37 (hg19) VCF-style: chr22-36695073-C-T.
Other names: short protein forms E998K.
Identifiers: ClinVar variation 4879841 (VCV004879841.1).
Genomic context (GRCh38, chr22:36,299,027, plus strand): 5'-GGCTCTTAGATTTCTCCTCCTCTTCTGTGAGGTTGGTGGTGAACTCAGCTATTCTGTCTT[C>T]CAGCAGTTTCTTTTCCTGGGGAGAGGGGAGTAGGCTGGCATTTAGTGTTGGTTGAGCACA-3'
Protein context (NP_002464.1, residues 988-1008): CKLAKEKKLL[Glu998Lys]DRIAEFTTNL